The following is an entry in ClinVar:

NM_005732.4(RAD50):c.1157G>T (p.Gly386Val)

Gene: RAD50 (RAD50 double strand break repair protein; plus strand). Cytogenetic location: 5q31.1.
Variant type: single nucleotide variant.
Coding change: c.1157G>T on transcript NM_005732.4 (MANE Select); coding-DNA position 1157, G replaced by T.
Protein change: p.Gly386Val; replaces glycine 386 with valine.
Molecular consequence: missense variant.
Genome position (GRCh38, 1-based): chr5:132,588,792, G>T. VCF-style: chr5-132588792-G-T. GRCh37 (hg19) VCF-style: chr5-131924484-G-T.
Other names: short protein forms G386V.
Identifiers: ClinVar variation 3224934 (VCV003224934.1), dbSNP rs2149841125, ClinGen allele CA360942722.

ClinVar aggregate classification (germline): Uncertain significance (1 of 4 stars; one submission).

Conditions:
Hereditary cancer-predisposing syndrome. Also called: Neoplastic Syndromes, Hereditary; Tumor predisposition; Hereditary neoplastic syndrome; Hereditary Cancer Syndrome. Identifiers: Orphanet 140162, MedGen C0027672, MeSH D009386, MONDO:0015356.

Submission:

Ambry Genetics
Classification: Uncertain significance for Hereditary cancer-predisposing syndrome. Last evaluated: 2023-10-20. Review status: criteria provided, single submitter. Criteria: Ambry Variant Classification Scheme 2023. Collection method: clinical testing. Allele origin: germline.
Comment: The p.G386V variant (also known as c.1157G>T), located in coding exon 8 of the RAD50 gene, results from a G to T substitution at nucleotide position 1157. The glycine at codon 386 is replaced by valine, an amino acid with dissimilar properties. This amino acid position is conserved. In addition, this alteration is predicted to be tolerated by in silico analysis. Since supporting evidence is limited at this time, the clinical significance of this alteration remains unclear.